The following is an entry in ClinVar:

NM_000135.4(FANCA):c.1799G>C (p.Arg600Pro)

Gene: FANCA (FA complementation group A; minus strand). Cytogenetic location: 16q24.3.
Variant type: single nucleotide variant.
Coding change: c.1799G>C on transcript NM_000135.4 (MANE Select); coding-DNA position 1799, G replaced by C.
Protein change: p.Arg600Pro; replaces arginine 600 with proline.
Molecular consequence: missense variant.
Genome position (GRCh38, 1-based): chr16:89,778,828, C>G on the plus strand (G>C on the coding strand, the complement: FANCA is on the minus strand). VCF-style: chr16-89778828-C-G. GRCh37 (hg19) VCF-style: chr16-89845236-C-G.
Other names: c.1799G>C, p.Arg600Pro (NM_001286167.3); c.1799G>C (NM_000135.2); short protein forms R600P.
Identifiers: ClinVar variation 1022747 (VCV001022747.10), dbSNP rs775917892, ClinGen allele CA397454488.

ClinVar aggregate classification (germline): Uncertain significance. Review status: criteria provided, multiple submitters, no conflicts (2 of 4 stars). 3 submissions from 3 submitters: Uncertain significance (3). Last evaluated 2025-08-28.

Conditions:
Inborn genetic diseases. Identifiers: MedGen C0950123, MeSH D030342.
Fanconi anemia (FA). Also called: Fanconi's anemia. Identifiers: Orphanet 84, MedGen C0015625, MeSH D005199, MONDO:0019391.
Fanconi anemia complementation group A (FANCA). Also called: Fanconi anemia, group A; FANCA-Related Fanconi Anemia. Identifiers: Orphanet 84, MedGen C3469521, MONDO:0009215, OMIM 227650.

gnomAD v4.1: 1 of 1,614,008 alleles (0.000062%); highest among the groups gnomAD compares: Admixed American, 0.0017%; no homozygotes.

Submissions (3):

Ambry Genetics
Classification: Uncertain significance for Inborn genetic diseases. Last evaluated: 2025-08-28. Review status: criteria provided, single submitter. Criteria: Ambry Variant Classification Scheme 2023. Collection method: clinical testing. Allele origin: germline.
Comment: The p.R600P variant (also known as c.1799G>C), located in coding exon 20 of the FANCA gene, results from a G to C substitution at nucleotide position 1799. The arginine at codon 600 is replaced by proline, an amino acid with dissimilar properties. This amino acid position is conserved. In addition, this alteration is predicted to be deleterious by in silico analysis. Based on the available evidence, the clinical significance of this variant remains unclear.

Labcorp Genetics (formerly Invitae), Labcorp
Classification: Uncertain significance for Fanconi anemia. Last evaluated: 2024-12-20. Review status: criteria provided, single submitter. Criteria: Invitae Variant Classification Sherloc (09022015). Collection method: clinical testing. Allele origin: germline.
Comment: This sequence change replaces arginine, which is basic and polar, with proline, which is neutral and non-polar, at codon 600 of the FANCA protein (p.Arg600Pro). This variant is present in population databases (no rsID available, gnomAD 0.003%). This variant has not been reported in the literature in individuals affected with FANCA-related conditions. ClinVar contains an entry for this variant (Variation ID: 1022747). Invitae Evidence Modeling of protein sequence and biophysical properties (such as structural, functional, and spatial information, amino acid conservation, physicochemical variation, residue mobility, and thermodynamic stability) has been performed for this missense variant. However, the output from this modeling did not meet the statistical confidence thresholds required to predict the impact of this variant on FANCA protein function. In summary, the available evidence is currently insufficient to determine the role of this variant in disease. Therefore, it has been classified as a Variant of Uncertain Significance.

Fulgent Genetics
Classification: Uncertain significance for Fanconi anemia complementation group A. Last evaluated: 2021-09-23. Review status: criteria provided, single submitter. Criteria: ACMG Guidelines, 2015. Collection method: clinical testing. Allele origin: unknown.